The following is an entry in ClinVar:

ClinVar aggregate classification (germline): Uncertain significance (1 of 4 stars; one submission).

Conditions:
Epileptic encephalopathy. Identifiers: MedGen C0543888, HP:0200134.

gnomAD v4.1: 1 of 1,542,012 alleles (0.000065%); highest among the groups gnomAD compares: Middle Eastern, 0.017%; no homozygotes.

Submission:

Labcorp Genetics (formerly Invitae), Labcorp
Classification: Uncertain significance for Epileptic encephalopathy. Last evaluated: 2025-11-27. Review status: criteria provided, single submitter. Criteria: Invitae Variant Classification Sherloc (09022015). Collection method: clinical testing. Allele origin: germline.
Comment: This sequence change replaces aspartic acid, which is acidic and polar, with asparagine, which is neutral and polar, at codon 100 of the GABBR2 protein (p.Asp100Asn). This variant is not present in population databases (gnomAD no frequency). This variant has not been reported in the literature in individuals affected with GABBR2-related conditions. Invitae Evidence Modeling of protein sequence and biophysical properties (such as structural, functional, and spatial information, amino acid conservation, physicochemical variation, residue mobility, and thermodynamic stability) indicates that this missense variant is not expected to disrupt GABBR2 protein function with a negative predictive value of 80%. In summary, the available evidence is currently insufficient to determine the role of this variant in disease. Therefore, it has been classified as a Variant of Uncertain Significance.

NM_005458.8(GABBR2):c.298G>A (p.Asp100Asn)

Gene: GABBR2 (gamma-aminobutyric acid type B receptor subunit 2; minus strand). Cytogenetic location: 9q22.33.
Variant type: single nucleotide variant.
Coding change: c.298G>A on transcript NM_005458.8 (MANE Select); coding-DNA position 298, G replaced by A.
Protein change: p.Asp100Asn; replaces aspartic acid 100 with asparagine.
Molecular consequence: missense variant.
Genome position (GRCh38, 1-based): chr9:98,708,440, C>T on the plus strand (G>A on the coding strand, the complement: GABBR2 is on the minus strand). VCF-style: chr9-98708440-C-T. GRCh37 (hg19) VCF-style: chr9-101470722-C-T.
Other names: short protein forms D100N.
Identifiers: ClinVar variation 4770799 (VCV004770799.1).